The following is an entry in ClinVar:

NM_001369.3(DNAH5):c.12287G>A (p.Trp4096Ter)

Gene: DNAH5 (dynein axonemal heavy chain 5; minus strand). Cytogenetic location: 5p15.2.
Variant type: single nucleotide variant.
Coding change: c.12287G>A on transcript NM_001369.3 (MANE Select); coding-DNA position 12287, G replaced by A.
Protein change: p.Trp4096Ter; replaces tryptophan 4096 with a stop codon.
Molecular consequence: nonsense.
Genome position (GRCh38, 1-based): chr5:13,719,094, C>T on the plus strand (G>A on the coding strand, the complement: DNAH5 is on the minus strand). VCF-style: chr5-13719094-C-T. GRCh37 (hg19) VCF-style: chr5-13719203-C-T.
Other names: short protein forms W4096*.
Identifiers: ClinVar variation 839512 (VCV000839512.9), dbSNP rs1744699899, ClinGen allele CA359211726.

ClinVar aggregate classification (germline): Pathogenic/Likely pathogenic. Review status: criteria provided, multiple submitters, no conflicts (2 of 4 stars). 2 submissions from 2 submitters: Pathogenic (1); Likely pathogenic (1). Last evaluated 2026-01-16.

Conditions:
Primary ciliary dyskinesia. Also called: Ciliary dyskinesia. Identifiers: Orphanet 244, MedGen C0008780, MONDO:0016575, HP:0012265.

Allele frequency attached by ClinVar (database versions not stated): gnomAD exomes below 0.00001.
gnomAD v4.1: 3 of 1,613,406 alleles (0.00019%); highest among the groups gnomAD compares: Non-Finnish European, 0.00017%; no homozygotes.

Submissions (2):

Natera, Inc.
Classification: Likely pathogenic for Primary ciliary dyskinesia. Last evaluated: 2026-01-16. Review status: criteria provided, single submitter. Criteria: Natera Variant Classification Schema (03/2026). Collection method: clinical testing. Allele origin: germline.
Comment: The c.12287G>A variant in DNAH5 is a nonsense variant predicted to introduce a stop codon at amino acid 4096. This variant is expected to result in nonsense mediated decay, truncation, or a dysfunctional protein product. This variant is rare in the general population with a frequency below the threshold expected for the associated phenotype(s). Given the available evidence, this variant is classified as Likely Pathogenic.

Labcorp Genetics (formerly Invitae), Labcorp
Classification: Pathogenic for Primary ciliary dyskinesia. Last evaluated: 2023-05-12. Review status: criteria provided, single submitter. Criteria: Invitae Variant Classification Sherloc (09022015). Collection method: clinical testing. Allele origin: germline.
Comment: This sequence change creates a premature translational stop signal (p.Trp4096*) in the DNAH5 gene. It is expected to result in an absent or disrupted protein product. Loss-of-function variants in DNAH5 are known to be pathogenic (PMID: 11788826, 16627867). This variant is not present in population databases (gnomAD no frequency). This variant has not been reported in the literature in individuals affected with DNAH5-related conditions. ClinVar contains an entry for this variant (Variation ID: 839512). For these reasons, this variant has been classified as Pathogenic.

Literature cited by the submitters: PubMed 11788826 (cited by Labcorp Genetics (formerly Invitae), Labcorp); PubMed 16627867 (cited by Labcorp Genetics (formerly Invitae), Labcorp).